The following is an entry in ClinVar:

ClinVar aggregate classification (germline): Uncertain significance. Review status: criteria provided, multiple submitters, no conflicts (2 of 4 stars). 2 submissions from 2 submitters: Uncertain significance (2). Last evaluated 2023-04-26.

Allele frequency attached by ClinVar (database versions not stated): 1000 Genomes Project 0.00020; 1000 Genomes Project 30x 0.00031.
gnomAD v4.1: 19 of 1,612,014 alleles (0.0012%); highest among the groups gnomAD compares: African/African-American, 0.0027%; no homozygotes.

Submissions (2):

Labcorp Genetics (formerly Invitae), Labcorp
Classification: Uncertain significance. Last evaluated: 2023-04-26. Review status: criteria provided, single submitter. Criteria: Invitae Variant Classification Sherloc (09022015). Collection method: clinical testing. Allele origin: germline.
Comment: This sequence change replaces arginine, which is basic and polar, with histidine, which is basic and polar, at codon 1090 of the MTOR protein (p.Arg1090His). This variant is present in population databases (rs573466361, gnomAD 0.007%). This variant has not been reported in the literature in individuals affected with MTOR-related conditions. ClinVar contains an entry for this variant (Variation ID: 1707970). Advanced modeling of protein sequence and biophysical properties (such as structural, functional, and spatial information, amino acid conservation, physicochemical variation, residue mobility, and thermodynamic stability) performed at Invitae indicates that this missense variant is not expected to disrupt MTOR protein function. In summary, the available evidence is currently insufficient to determine the role of this variant in disease. Therefore, it has been classified as a Variant of Uncertain Significance.

GeneDx
Classification: Uncertain significance. Last evaluated: 2022-03-31. Review status: criteria provided, single submitter. Criteria: GeneDx Variant Classification Process June 2021. Collection method: clinical testing. Allele origin: germline. Affected: yes.
Comment: Has not been previously published as pathogenic or benign to our knowledge; In silico analysis supports that this missense variant has a deleterious effect on protein structure/function

NM_004958.4(MTOR):c.3269G>A (p.Arg1090His)

Gene: MTOR (mechanistic target of rapamycin kinase; minus strand). Cytogenetic location: 1p36.22.
Variant type: single nucleotide variant.
Coding change: c.3269G>A on transcript NM_004958.4 (MANE Select); coding-DNA position 3269, G replaced by A.
Protein change: p.Arg1090His; replaces arginine 1090 with histidine.
Molecular consequence: missense variant.
Genome position (GRCh38, 1-based): chr1:11,213,415, C>T on the plus strand (G>A on the coding strand, the complement: MTOR is on the minus strand). VCF-style: chr1-11213415-C-T. GRCh37 (hg19) VCF-style: chr1-11273472-C-T.
Other names: c.3269G>A, p.Arg1090His (NM_001386500.1); c.2021G>A, p.Arg674His (NM_001386501.1); short protein forms R1090H, R674H.
Identifiers: ClinVar variation 1707970 (VCV001707970.6), dbSNP rs573466361, ClinGen allele CA590276.
Genomic context (GRCh38, chr1:11,213,415, plus strand): 5'-AGGAAATCAGAAAATCTCTCTGGAGGATGACGTAGGCTACTCACCTTGATAGAGACAATG[C>T]GGCCTGGGCTGTTGTCATGCATGAAGACACGCAGCATGTGTGGGATCAGCTGGGGCAGGT-3'
Protein context (NP_004949.1, residues 1080-1100): RVFMHDNSPG[Arg1090His]IVSIKLLAAI